The following is an entry in ClinVar:

ClinVar aggregate classification (germline): Uncertain significance. Review status: criteria provided, multiple submitters, no conflicts (2 of 4 stars). 3 submissions from 3 submitters: Uncertain significance (3). Last evaluated 2023-12-04.

Conditions:
Hereditary cancer-predisposing syndrome. Also called: Neoplastic Syndromes, Hereditary; Hereditary Cancer Syndrome; Tumor predisposition; Hereditary neoplastic syndrome. Identifiers: Orphanet 140162, MedGen C0027672, MeSH D009386, MONDO:0015356.
Familial adenomatous polyposis 1 (FAP1). Also called: FAMILIAL ADENOMATOUS POLYPOSIS 1, ATTENUATED; POLYPOSIS, ADENOMATOUS INTESTINAL. Identifiers: MedGen C2713442, MONDO:0021056, OMIM 175100. Disease mechanism: loss of function.

Allele frequency attached by ClinVar (database versions not stated): gnomAD exomes below 0.00001.
gnomAD v4.1: 1 of 1,614,030 alleles (0.000062%); highest among the groups gnomAD compares: Non-Finnish European, 0.000085%; no homozygotes.

Submissions (3):

Color Diagnostics, LLC DBA Color Health
Classification: Uncertain significance for Hereditary cancer-predisposing syndrome. Last evaluated: 2023-12-04. Review status: criteria provided, single submitter. Criteria: ACMG Guidelines, 2015. Collection method: clinical testing. Allele origin: germline.
Comment: This missense variant replaces isoleucine with methionine at codon 2444 of the APC protein. Computational prediction is inconclusive regarding the impact of this variant on protein structure and function (internally defined REVEL score threshold 0.5 < inconclusive < 0.7, PMID: 27666373). To our knowledge, functional studies have not been reported for this variant. This variant has not been reported in individuals affected with APC-related disorders in the literature. This variant has not been identified in the general population by the Genome Aggregation Database (gnomAD). The available evidence is insufficient to determine the role of this variant in disease conclusively. Therefore, this variant is classified as a Variant of Uncertain Significance.

Ambry Genetics
Classification: Uncertain significance for Hereditary cancer-predisposing syndrome. Last evaluated: 2023-03-29. Review status: criteria provided, single submitter. Criteria: Ambry Variant Classification Scheme 2023. Collection method: clinical testing. Allele origin: germline.
Comment: The p.I2444M variant (also known as c.7332C>G), located in coding exon 15 of the APC gene, results from a C to G substitution at nucleotide position 7332. The isoleucine at codon 2444 is replaced by methionine, an amino acid with highly similar properties. This amino acid position is conserved. In addition, in silico predictors for this gene do not accurately predict pathogenicity. Since supporting evidence is limited at this time, the clinical significance of this alteration remains unclear.

Labcorp Genetics (formerly Invitae), Labcorp
Classification: Uncertain significance for Familial adenomatous polyposis 1. Last evaluated: 2021-08-31. Review status: criteria provided, single submitter. Criteria: Invitae Variant Classification Sherloc (09022015). Collection method: clinical testing. Allele origin: germline.
Comment: This sequence change replaces isoleucine with methionine at codon 2444 of the APC protein (p.Ile2444Met). The isoleucine residue is highly conserved and there is a small physicochemical difference between isoleucine and methionine. This variant is not present in population databases (ExAC no frequency). This variant has not been reported in the literature in individuals affected with APC-related conditions. Algorithms developed to predict the effect of missense changes on protein structure and function are either unavailable or do not agree on the potential impact of this missense change (SIFT: "Tolerated"; PolyPhen-2: "Probably Damaging"; Align-GVGD: "Class C0"). In summary, the available evidence is currently insufficient to determine the role of this variant in disease. Therefore, it has been classified as a Variant of Uncertain Significance.

NM_000038.6(APC):c.7332C>G (p.Ile2444Met)

Gene: APC (APC regulator of Wnt signaling pathway; plus strand). Cytogenetic location: 5q22.2.
Variant type: single nucleotide variant.
Coding change: c.7332C>G on transcript NM_000038.6 (MANE Select); coding-DNA position 7332, C replaced by G.
Protein change: p.Ile2444Met; replaces isoleucine 2444 with methionine.
Molecular consequence: missense variant.
Genome position (GRCh38, 1-based): chr5:112,842,926, C>G. VCF-style: chr5-112842926-C-G. GRCh37 (hg19) VCF-style: chr5-112178623-C-G.
Other names: c.7332C>G, p.Ile2444Met (NM_001127510.3, NM_001354895.2); c.7278C>G, p.Ile2426Met (NM_001127511.3); c.7386C>G, p.Ile2462Met (NM_001354896.2); c.7362C>G, p.Ile2454Met (NM_001354897.2); c.7257C>G, p.Ile2419Met (NM_001354898.2); c.7248C>G, p.Ile2416Met (NM_001354899.2); c.7209C>G, p.Ile2403Met (NM_001354900.2); c.7155C>G, p.Ile2385Met (NM_001354901.2); and 5 more; short protein forms I2284M, I2419M, I2444M, I2318M, I2385M, I2454M, I2161M, I2343M.
Identifiers: ClinVar variation 927449 (VCV000927449.14), dbSNP rs1766450249, ClinGen allele CA16037298.